The following is an entry in ClinVar:

ClinVar aggregate classification (germline): Uncertain significance. Review status: criteria provided, multiple submitters, no conflicts (2 of 4 stars). 4 submissions from 4 submitters: Uncertain significance (3). 1 of the submissions does not count toward it. Last evaluated 2024-09-12.

Conditions:
Autosomal recessive retinitis pigmentosa. Identifiers: MedGen C0339526.
Retinitis pigmentosa 25 (RP25). Identifiers: Orphanet 791, MedGen C1864446, MONDO:0011272, OMIM 602772.

Allele frequency attached by ClinVar (database versions not stated): TOPMed below 0.00001; gnomAD 0.00001 and 0.00002; gnomAD exomes 0.00005; ExAC 0.00014; 1000 Genomes Project 0.00020; 1000 Genomes Project 30x 0.00031.
gnomAD v4.1: 16 of 1,550,276 alleles (0.001%); highest among the groups gnomAD compares: East Asian, 0.034%; no homozygotes.

Submissions (4):

Blueprint Genetics
Classification: Uncertain significance. Last evaluated: 2024-09-12. Review status: criteria provided, single submitter. Criteria: ACMG Guidelines, 2015. Collection method: clinical testing. Allele origin: germline.

Fulgent Genetics
Classification: Uncertain significance for Retinitis pigmentosa 25. Last evaluated: 2022-04-07. Review status: criteria provided, single submitter. Criteria: ACMG Guidelines, 2015. Collection method: clinical testing. Allele origin: unknown.

Labcorp Genetics (formerly Invitae), Labcorp
Classification: Uncertain significance. Last evaluated: 2022-03-20. Review status: criteria provided, single submitter. Criteria: Invitae Variant Classification Sherloc (09022015). Collection method: clinical testing. Allele origin: germline.
Comment: This sequence change replaces alanine, which is neutral and non-polar, with glutamic acid, which is acidic and polar, at codon 1098 of the EYS protein (p.Ala1098Glu). This variant is present in population databases (rs561156283, gnomAD 0.06%). This variant has not been reported in the literature in individuals affected with EYS-related conditions. ClinVar contains an entry for this variant (Variation ID: 990050). Algorithms developed to predict the effect of missense changes on protein structure and function are either unavailable or do not agree on the potential impact of this missense change (SIFT: "Deleterious"; PolyPhen-2: "Benign"; Align-GVGD: "Class C15"). In summary, the available evidence is currently insufficient to determine the role of this variant in disease. Therefore, it has been classified as a Variant of Uncertain Significance.

Natera, Inc.
Classification: Uncertain significance for Autosomal recessive retinitis pigmentosa. Last evaluated: 2020-09-01. Review status: no assertion criteria provided. Collection method: clinical testing. Allele origin: germline. Not counted in ClinVar's aggregate classification.

NM_001142800.2(EYS):c.3293C>A (p.Ala1098Glu)

Gene: EYS (EGF-like photoreceptor maintenance factor; minus strand). Cytogenetic location: 6q12.
Variant type: single nucleotide variant.
Coding change: c.3293C>A on transcript NM_001142800.2 (MANE Select); coding-DNA position 3293, C replaced by A.
Protein change: p.Ala1098Glu; replaces alanine 1098 with glutamic acid.
Molecular consequence: missense variant.
Genome position (GRCh38, 1-based): chr6:64,813,528, G>T on the plus strand (C>A on the coding strand, the complement: EYS is on the minus strand). VCF-style: chr6-64813528-G-T. GRCh37 (hg19) VCF-style: chr6-65523421-G-T.
Other names: c.3293C>A, p.Ala1098Glu (NM_001292009.2); short protein forms A1098E.
Identifiers: ClinVar variation 990050 (VCV000990050.5), dbSNP rs561156283, ClinGen allele CA3877179.